The following is an entry in ClinVar:

ClinVar aggregate classification (germline): Uncertain significance (1 of 4 stars; one submission).

gnomAD v4.1: 4 of 1,613,982 alleles (0.00025%); highest among the groups gnomAD compares: Admixed American, 0.0033%; no homozygotes.

Submission:

Labcorp Genetics (formerly Invitae), Labcorp
Classification: Uncertain significance. Last evaluated: 2025-10-18. Review status: criteria provided, single submitter. Criteria: Invitae Variant Classification Sherloc (09022015). Collection method: clinical testing. Allele origin: germline.
Comment: This sequence change replaces isoleucine, which is neutral and non-polar, with valine, which is neutral and non-polar, at codon 323 of the CDH2 protein (p.Ile323Val). This variant is not present in population databases (gnomAD no frequency). This variant has not been reported in the literature in individuals affected with CDH2-related conditions. An algorithm developed to predict the effect of missense changes on protein structure and function (PolyPhen-2) suggests that this variant is likely to be tolerated. In summary, the available evidence is currently insufficient to determine the role of this variant in disease. Therefore, it has been classified as a Variant of Uncertain Significance.

NM_001792.5(CDH2):c.967A>G (p.Ile323Val)

Gene: CDH2 (cadherin 2; minus strand). Cytogenetic location: 18q12.1.
Variant type: single nucleotide variant.
Coding change: c.967A>G on transcript NM_001792.5 (MANE Select); coding-DNA position 967, A replaced by G.
Protein change: p.Ile323Val; replaces isoleucine 323 with valine.
Molecular consequence: missense variant.
Genome position (GRCh38, 1-based): chr18:28,003,050, T>C on the plus strand (A>G on the coding strand, the complement: CDH2 is on the minus strand). VCF-style: chr18-28003050-T-C. GRCh37 (hg19) VCF-style: chr18-25583014-T-C.
Other names: c.874A>G, p.Ile292Val (NM_001308176.2); short protein forms I292V, I323V.
Identifiers: ClinVar variation 4806085 (VCV004806085.1).